The following is an entry in ClinVar:

ClinVar aggregate classification (germline): Uncertain significance (1 of 4 stars; one submission).

Submission:

GeneDx
Classification: Uncertain significance. Last evaluated: 2022-09-21. Review status: criteria provided, single submitter. Criteria: GeneDx Variant Classification Process June 2021. Collection method: clinical testing. Allele origin: germline. Affected: yes.
Comment: Not observed at significant frequency in large population cohorts (gnomAD); In silico analysis supports that this missense variant has a deleterious effect on protein structure/function; Has not been previously published as pathogenic or benign to our knowledge

NM_001257293.2(HNRNPH1):c.1067A>G (p.Tyr356Cys)

Genes: HNRNPH1 (heterogeneous nuclear ribonucleoprotein H1; minus strand), LOC128966623 (uncharacterized LOC128966623; plus strand). Cytogenetic location: 5q35.3.
Variant type: single nucleotide variant.
Coding change: c.1067A>G on transcript NM_001257293.2 (MANE Select); coding-DNA position 1067, A replaced by G.
Protein change: p.Tyr356Cys; replaces tyrosine 356 with cysteine.
Molecular consequence: missense variant. On other transcripts: intron variant (3).
Genome position (GRCh38, 1-based): chr5:179,617,101, T>C on the plus strand (A>G on the coding strand, the complement: HNRNPH1 is on the minus strand). VCF-style: chr5-179617101-T-C. GRCh37 (hg19) VCF-style: chr5-179044102-T-C.
Other names: c.1067A>G, p.Tyr356Cys (NM_001363572.2, NM_001364225.2, NM_001364226.2 and 24 more transcripts); c.1046A>G, p.Tyr349Cys (NM_001364240.2, NM_001364241.2, NM_001364242.2 and 6 more transcripts); c.911A>G, p.Tyr304Cys (NM_001364250.2); c.464A>G, p.Tyr155Cys (NM_001364251.2, NM_001364252.2, NM_001364253.2 and 4 more transcripts); c.836A>G, p.Tyr279Cys (NM_001395190.1); c.749A>G, p.Tyr250Cys (NM_001395191.1, NM_001395192.1); c.656A>G, p.Tyr219Cys (NM_001395193.1); c.1058-143A>G (NM_001364247.2, NM_001395177.1, NM_001364246.2); short protein forms Y155C, Y219C, Y250C, Y279C, Y304C, Y349C, Y356C.
Identifiers: ClinVar variation 2446193 (VCV002446193.1), dbSNP rs113857707, ClinGen allele CA133110543.